The following is an entry in ClinVar:

NM_153026.3(PRICKLE1):c.2020C>T (p.Arg674Cys)

Gene: PRICKLE1 (prickle planar cell polarity protein 1; minus strand). Cytogenetic location: 12q12.
Variant type: single nucleotide variant.
Coding change: c.2020C>T on transcript NM_153026.3 (MANE Select); coding-DNA position 2020, C replaced by T.
Protein change: p.Arg674Cys; replaces arginine 674 with cysteine.
Molecular consequence: missense variant.
Genome position (GRCh38, 1-based): chr12:42,460,285, G>A on the plus strand (C>T on the coding strand, the complement: PRICKLE1 is on the minus strand). VCF-style: chr12-42460285-G-A. GRCh37 (hg19) VCF-style: chr12-42854087-G-A.
Other names: c.2020C>T, p.Arg674Cys (NM_001144881.2, NM_001144882.2, NM_001144883.2); short protein forms R674C.
Identifiers: ClinVar variation 2789730 (VCV002789730.1), dbSNP rs572205675, ClinGen allele CA6519665.

ClinVar aggregate classification (germline): Uncertain significance (1 of 4 stars; one submission).

Conditions:
Epilepsy, progressive myoclonic, 1B. Also called: PME. Identifiers: Orphanet 308, MedGen C2676254, MONDO:0012904, OMIM 612437.

Allele frequency attached by ClinVar (database versions not stated): TOPMed below 0.00001; gnomAD 0.00001; ExAC 0.00002; gnomAD exomes 0.00002; 1000 Genomes Project 30x 0.00016; 1000 Genomes Project 0.00020.
gnomAD v4.1: 26 of 1,614,132 alleles (0.0016%); highest among the groups gnomAD compares: South Asian, 0.0088%; no homozygotes.

Submission:

Labcorp Genetics (formerly Invitae), Labcorp
Classification: Uncertain significance for Epilepsy, progressive myoclonic, 1B. Last evaluated: 2022-12-15. Review status: criteria provided, single submitter. Criteria: Invitae Variant Classification Sherloc (09022015). Collection method: clinical testing. Allele origin: germline.
Comment: In summary, the available evidence is currently insufficient to determine the role of this variant in disease. Therefore, it has been classified as a Variant of Uncertain Significance. Advanced modeling of protein sequence and biophysical properties (such as structural, functional, and spatial information, amino acid conservation, physicochemical variation, residue mobility, and thermodynamic stability) performed at Invitae indicates that this missense variant is not expected to disrupt PRICKLE1 protein function. This variant has not been reported in the literature in individuals affected with PRICKLE1-related conditions. This variant is present in population databases (rs572205675, gnomAD 0.01%). This sequence change replaces arginine, which is basic and polar, with cysteine, which is neutral and slightly polar, at codon 674 of the PRICKLE1 protein (p.Arg674Cys).